The following is an entry in ClinVar:

NM_002778.4(PSAP):c.429G>C (p.Lys143Asn)

Gene: PSAP (prosaposin; minus strand). Cytogenetic location: 10q22.1.
Variant type: single nucleotide variant.
Coding change: c.429G>C on transcript NM_002778.4 (MANE Select); coding-DNA position 429, G replaced by C.
Protein change: p.Lys143Asn; replaces lysine 143 with asparagine.
Molecular consequence: missense variant.
Genome position (GRCh38, 1-based): chr10:71,829,024, C>G on the plus strand (G>C on the coding strand, the complement: PSAP is on the minus strand). VCF-style: chr10-71829024-C-G. GRCh37 (hg19) VCF-style: chr10-73588781-C-G.
Other names: c.429G>C, p.Lys143Asn (NM_001042465.3, NM_001042466.3); short protein forms K143N.
Identifiers: ClinVar variation 2138825 (VCV002138825.1), dbSNP rs573587297, ClinGen allele CA5547769.

ClinVar aggregate classification (germline): Uncertain significance (1 of 4 stars; one submission).

Conditions:
Sphingolipid activator protein 1 deficiency. Also called: METACHROMATIC LEUKODYSTROPHY DUE TO CEREBROSIDE SULFATASE ACTIVATOR DEFICIENCY; Saposin B Deficiency; Metachromatic leukodystrophy due to saposin B deficiency. Identifiers: Orphanet 512, MedGen C0268262, MONDO:0009590, OMIM 249900.

Allele frequency attached by ClinVar (database versions not stated): ExAC 0.00001; gnomAD 0.00001; 1000 Genomes Project 30x 0.00016; 1000 Genomes Project 0.00020.
gnomAD v4.1: 3 of 1,614,162 alleles (0.00019%); highest among the groups gnomAD compares: South Asian, 0.0022%; no homozygotes.

Submission:

Labcorp Genetics (formerly Invitae), Labcorp
Classification: Uncertain significance for Sphingolipid activator protein 1 deficiency. Last evaluated: 2022-04-21. Review status: criteria provided, single submitter. Criteria: Invitae Variant Classification Sherloc (09022015). Collection method: clinical testing. Allele origin: germline.
Comment: This sequence change replaces lysine, which is basic and polar, with asparagine, which is neutral and polar, at codon 143 of the PSAP protein (p.Lys143Asn). This variant is present in population databases (rs573587297, gnomAD 0.003%). This variant has not been reported in the literature in individuals affected with PSAP-related conditions. Algorithms developed to predict the effect of missense changes on protein structure and function are either unavailable or do not agree on the potential impact of this missense change (SIFT: "Not Available"; PolyPhen-2: "Benign"; Align-GVGD: "Not Available"). In summary, the available evidence is currently insufficient to determine the role of this variant in disease. Therefore, it has been classified as a Variant of Uncertain Significance.